The following is an entry in ClinVar:

ClinVar aggregate classification (germline): Uncertain significance (1 of 4 stars; one submission).

Allele frequency attached by ClinVar (database versions not stated): TOPMed 0.00001.
gnomAD v4.1: 1 of 1,209,309 alleles (0.000083%); highest among the groups gnomAD compares: Admixed American, 0.0022%; no homozygotes.

Submission:

Labcorp Genetics (formerly Invitae), Labcorp
Classification: Uncertain significance. Last evaluated: 2025-05-05. Review status: criteria provided, single submitter. Criteria: Invitae Variant Classification Sherloc (09022015). Collection method: clinical testing. Allele origin: germline.
Comment: This sequence change falls in intron 33 of the CACNA1F gene. It does not directly change the encoded amino acid sequence of the CACNA1F protein. It affects a nucleotide within the consensus splice site. The frequency data for this variant in the population databases is considered unreliable, as metrics indicate poor data quality at this position in the gnomAD database. This variant has not been reported in the literature in individuals affected with CACNA1F-related conditions. ClinVar contains an entry for this variant (Variation ID: 2796627). Variants that disrupt the consensus splice site are a relatively common cause of aberrant splicing (PMID: 17576681, 9536098). Algorithms developed to predict the effect of sequence changes on RNA splicing suggest that this variant is not likely to affect RNA splicing. In summary, the available evidence is currently insufficient to determine the role of this variant in disease. Therefore, it has been classified as a Variant of Uncertain Significance.

Literature cited by the submitters: PubMed 17576681; PubMed 9536098.

NM_001256789.3(CACNA1F):c.3942+6C>T

Gene: CACNA1F (calcium voltage-gated channel subunit alpha1 F; minus strand). Cytogenetic location: Xp11.23.
Variant type: single nucleotide variant.
Coding change: c.3942+6C>T on transcript NM_001256789.3 (MANE Select); 6 bases into the intron after coding-DNA position 3942, C replaced by T.
Molecular consequence: intron variant.
Genome position (GRCh38, 1-based): chrX:49,212,661, G>A on the plus strand (C>T on the coding strand, the complement: CACNA1F is on the minus strand). VCF-style: chrX-49212661-G-A. GRCh37 (hg19) VCF-style: chrX-49069121-G-A.
Other names: c.3975+6C>T (NM_005183.4); c.3780+6C>T (NM_001256790.3).
Identifiers: ClinVar variation 2796627 (VCV002796627.3), dbSNP rs369309743, ClinGen allele CA10410321.
Genomic context (GRCh38, chrX:49,212,661, plus strand): 5'-AAGGGGCAGGCTGAGAAGTGTGAAATGGGGGCGAGGTATGGTCAAAGGGATGGGGTAGGG[G>A]ATTACCTGGAAGGACTTGATGAATGTCCAGAGCAATGTGCGGATCCCTTCACCCTTACTG-3'